The following is an entry in ClinVar:

NM_001130987.2(DYSF):c.1447A>G (p.Met483Val)

Gene: DYSF (dysferlin; plus strand). Cytogenetic location: 2p13.2.
Variant type: single nucleotide variant.
Coding change: c.1447A>G on transcript NM_001130987.2 (MANE Select); coding-DNA position 1447, A replaced by G.
Protein change: p.Met483Val; replaces methionine 483 with valine.
Molecular consequence: missense variant.
Genome position (GRCh38, 1-based): chr2:71,535,087, A>G. VCF-style: chr2-71535087-A-G. GRCh37 (hg19) VCF-style: chr2-71762217-A-G.
Other names: c.1354A>G, p.Met452Val (NM_001130455.2, NM_001130983.2, NM_001130984.2 and 1 more transcripts); c.1351A>G, p.Met451Val (NM_001130976.2, NM_001130977.2, NM_001130978.2 and 1 more transcripts); c.1444A>G, p.Met482Val (NM_001130979.2, NM_001130980.2, NM_001130981.2); c.1447A>G, p.Met483Val (NM_001130982.2, NM_001130985.2); short protein forms M483V, M451V, M452V, M482V.
Identifiers: ClinVar variation 282209 (VCV000282209.59), dbSNP rs141818764, ClinGen allele CA1705737.

ClinVar aggregate classification (germline): Conflicting classifications of pathogenicity. Review status: criteria provided, conflicting classifications (1 of 4 stars). 13 submissions from 13 submitters: Uncertain significance (5); Likely benign (5). 3 of the submissions do not count toward it. Last evaluated 2026-02-01.

Conditions:
Neuromuscular disease caused by qualitative or quantitative defects of dysferlin. Also called: Dysferlinopathy; Qualitative or quantitative defects of dysferlin. Identifiers: Orphanet 207073, MedGen C2931687, MONDO:0016145.
Autosomal recessive limb-girdle muscular dystrophy type 2B (LGMDR2). Also called: MUSCULAR DYSTROPHY, LIMB-GIRDLE, TYPE 3; Limb-Girdle Muscular Dystrophy Type 2B (LGMD2B); Limb-girdle muscular dystrophy, type 2B; MUSCULAR DYSTROPHY, LIMB-GIRDLE, AUTOSOMAL RECESSIVE 2. Identifiers: Orphanet 268, MedGen C1850889, MONDO:0009676, OMIM 253601.
Miyoshi muscular dystrophy 1 (MMD1). Identifiers: Orphanet 45448, MedGen C4551973, MONDO:0024545, OMIM 254130.

Allele frequency attached by ClinVar (database versions not stated): gnomAD 0.00096 and 0.00105; TOPMed 0.00112; ESP Exome Variant Server 0.00123; gnomAD exomes 0.00124 and 0.00158; ExAC 0.00133; 1000 Genomes Project 0.00140; 1000 Genomes Project 30x 0.00141.
gnomAD v4.1: 2,465 of 1,614,128 alleles (0.15%); highest among the groups gnomAD compares: Non-Finnish European, 0.17%; 5 homozygotes.

Submissions (13):

Labcorp Genetics (formerly Invitae), Labcorp
Classification: Likely benign for Neuromuscular disease caused by qualitative or quantitative defects of dysferlin. Last evaluated: 2026-02-01. Review status: criteria provided, single submitter. Criteria: Invitae Variant Classification Sherloc (09022015). Collection method: clinical testing. Allele origin: germline.

Women's Health and Genetics/Laboratory Corporation of America, LabCorp
Classification: Uncertain significance. Last evaluated: 2025-05-20. Review status: criteria provided, single submitter. Criteria: LabCorp Variant Classification Summary - May 2015. Collection method: clinical testing. Allele origin: germline.
Comment: Variant summary: DYSF c.1351A>G (p.Met451Val) results in a conservative amino acid change in the encoded protein sequence. Algorithms developed to predict the effect of missense changes on protein structure and function are either unavailable or do not agree on the potential impact of this missense change. Several computational tools predict a significant impact on normal splicing: Three predict the variant weakens a canonical 5' donor site. However, these predictions have yet to be confirmed by functional studies. The variant allele was found at a frequency of 0.0015 in 1614128 control chromosomes in the gnomAD database, including 5 homozygotes. This frequency is not significantly higher than estimated for a pathogenic variant in DYSF causing Autosomal recessive limb-girdle muscular dystrophy type 2B (0.0015 vs 0.011), allowing no conclusion about variant significance. c.1351A>G has been observed in heterozygous state in individual(s) affected with limb-girdle muscular dystrophy (examples: Charnay_2021, Alharbi_2022). These report(s) do not provide unequivocal conclusions about association of the variant with Autosomal recessive limb-girdle muscular dystrophy type 2B. To our knowledge, no experimental evidence demonstrating an impact on protein function has been reported. The following publications have been ascertained in the context of this evaluation (PMID: 33927379, 35273475). ClinVar contains an entry for this variant (Variation ID: 282209). Based on the evidence outlined above, the variant was classified as uncertain significance.

Blueprint Genetics
Classification: Likely benign. Last evaluated: 2024-11-14. Review status: criteria provided, single submitter. Criteria: ACMG Guidelines, 2015. Collection method: clinical testing. Allele origin: germline.

CeGaT Center for Human Genetics Tuebingen
Classification: Likely benign. Last evaluated: 2024-07-01. Review status: criteria provided, single submitter. Criteria: CeGaT Center For Human Genetics Tuebingen Variant Classification Criteria Version 2. Collection method: clinical testing. Allele origin: germline. Affected: yes. Observed: 3 variant alleles.
Comment: DYSF: BP4

Athena Diagnostics
Classification: Likely benign. Last evaluated: 2023-12-15. Review status: criteria provided, single submitter. Criteria: Athena Diagnostics Criteria. Collection method: clinical testing. Allele origin: unknown.

Genome-Nilou Lab
Classification: Uncertain significance for Miyoshi muscular dystrophy 1. Last evaluated: 2021-05-18. Review status: criteria provided, single submitter. Criteria: ACMG Guidelines, 2015. Collection method: clinical testing. Allele origin: germline. Affected: no.

GeneDx
Classification: Likely benign. Last evaluated: 2020-01-09. Review status: criteria provided, single submitter. Criteria: GeneDx Variant Classification Process June 2021. Collection method: clinical testing. Allele origin: germline. Affected: yes.
Comment: This variant is associated with the following publications: (PMID: 28482373, 30564623)

Illumina Laboratory Services, Illumina
Classification: Uncertain significance for Qualitative or quantitative defects of dysferlin. Last evaluated: 2018-01-12. Review status: criteria provided, single submitter. Criteria: ICSL Variant Classification Criteria 13 December 2019. Collection method: clinical testing. Allele origin: germline.

Genetic Services Laboratory, University of Chicago
Classification: Uncertain significance. Last evaluated: 2017-11-03. Review status: criteria provided, single submitter. Criteria: ACMG Guidelines, 2015. Collection method: clinical testing. Allele origin: germline. Affected: no.

Eurofins Ntd Llc (ga)
Classification: Uncertain significance. Last evaluated: 2015-08-04. Review status: criteria provided, single submitter. Criteria: EGL Classification Definitions 2015. Collection method: clinical testing. Allele origin: germline. Observed: 6 variant alleles, 5 heterozygotes.

Natera, Inc.
Classification: Benign for Limb-girdle muscular dystrophy type 2B. Last evaluated: 2020-01-04. Review status: no assertion criteria provided. Collection method: clinical testing. Allele origin: germline. Not counted in ClinVar's aggregate classification.

Clinical Genetics DNA and cytogenetics Diagnostics Lab, Erasmus MC, Erasmus Medical Center
Classification: Likely benign. Review status: no assertion criteria provided. Collection method: clinical testing. Allele origin: germline. Affected: yes. Study: VKGL Data-share Consensus. Not counted in ClinVar's aggregate classification.

Genome Diagnostics Laboratory, University Medical Center Utrecht
Classification: Likely benign. Review status: no assertion criteria provided. Collection method: clinical testing. Allele origin: germline. Affected: yes. Study: VKGL Data-share Consensus. Not counted in ClinVar's aggregate classification.

Literature cited by the submitters: PubMed 33927379 (cited by Women's Health and Genetics/Laboratory Corporation of America, LabCorp and Athena Diagnostics); PubMed 35273475 (cited by Women's Health and Genetics/Laboratory Corporation of America, LabCorp and Athena Diagnostics); PubMed 30564623 (cited by Athena Diagnostics); PubMed 24109560 (cited by Athena Diagnostics).